The following is an entry in ClinVar:

NM_006035.4(CDC42BPB):c.3784C>T (p.Leu1262Phe)

Genes: CDC42BPB (CDC42 binding protein kinase beta; minus strand), LOC126862066 (CDK7 strongly-dependent group 2 enhancer GRCh37_chr14:103411482-103412681; plus strand). Cytogenetic location: 14q32.32.
Variant type: single nucleotide variant.
Coding change: c.3784C>T on transcript NM_006035.4 (MANE Select); coding-DNA position 3784, C replaced by T.
Protein change: p.Leu1262Phe; replaces leucine 1262 with phenylalanine.
Molecular consequence: missense variant.
Genome position (GRCh38, 1-based): chr14:102,945,689, G>A on the plus strand (C>T on the coding strand, the complement: CDC42BPB is on the minus strand). VCF-style: chr14-102945689-G-A. GRCh37 (hg19) VCF-style: chr14-103412026-G-A.
Other names: c.3706C>T, p.Leu1236Phe (NM_001411054.1); short protein forms L1262F, L1236F.
Identifiers: ClinVar variation 2359760 (VCV002359760.16), dbSNP rs202026444, ClinGen allele CA7360624.
Genomic context (GRCh38, chr14:102,945,689, plus strand): 5'-ACATCCCAGGCTGGAAACGCCCTGCTCACTCACCATCTCGGGTGACCTCTATGACATAGA[G>A]CCCTTCTTCTAGGCCGACTGCAATCCTGTCTGCATCTGTGGAGGGGTAAGTAACATACAC-3'
Protein context (NP_006026.3, residues 1252-1272): DRIAVGLEEG[Leu1262Phe]YVIEVTRDVI

ClinVar aggregate classification (germline): Likely benign. Review status: criteria provided, multiple submitters, no conflicts (2 of 4 stars). 2 submissions from 2 submitters: Likely benign (2). Last evaluated 2025-02-01.

Conditions:
Inborn genetic diseases. Identifiers: MedGen C0950123, MeSH D030342.

Allele frequency attached by ClinVar (database versions not stated): gnomAD 0.00010; TOPMed 0.00011; 1000 Genomes Project 0.00020; 1000 Genomes Project 30x 0.00031.
gnomAD v4.1: 209 of 1,612,908 alleles (0.013%); highest among the groups gnomAD compares: South Asian, 0.032%; no homozygotes.

Submissions (2):

CeGaT Center for Human Genetics Tuebingen
Classification: Likely benign. Last evaluated: 2025-02-01. Review status: criteria provided, single submitter. Criteria: CeGaT Center For Human Genetics Tuebingen Variant Classification Criteria Version 2. Collection method: clinical testing. Allele origin: germline. Affected: yes. Observed: 2 variant alleles.
Comment: CDC42BPB: BP4, BS1:Supporting

Ambry Genetics
Classification: Likely benign for Inborn genetic diseases. Last evaluated: 2021-10-09. Review status: criteria provided, single submitter. Criteria: Ambry Variant Classification Scheme 2023. Collection method: clinical testing. Allele origin: germline.